The following is an entry in ClinVar:

NM_000038.6(APC):c.3952G>A (p.Asp1318Asn)

Gene: APC (APC regulator of Wnt signaling pathway; plus strand). Cytogenetic location: 5q22.2.
Variant type: single nucleotide variant.
Coding change: c.3952G>A on transcript NM_000038.6 (MANE Select); coding-DNA position 3952, G replaced by A.
Protein change: p.Asp1318Asn; replaces aspartic acid 1318 with asparagine.
Molecular consequence: missense variant. On other transcripts: non-coding transcript variant (2).
Genome position (GRCh38, 1-based): chr5:112,839,546, G>A. VCF-style: chr5-112839546-G-A. GRCh37 (hg19) VCF-style: chr5-112175243-G-A.
Other names: c.3952G>A, p.Asp1318Asn (NM_001127510.3, NM_001354895.2, NM_001407450.1); c.3898G>A, p.Asp1300Asn (NM_001127511.3); c.4006G>A, p.Asp1336Asn (NM_001354896.2, NM_001407447.1, NM_001407448.1 and 1 more transcripts); c.3982G>A, p.Asp1328Asn (NM_001354897.2); c.3877G>A, p.Asp1293Asn (NM_001354898.2); c.3868G>A, p.Asp1290Asn (NM_001354899.2); c.3829G>A, p.Asp1277Asn (NM_001354900.2); c.3775G>A, p.Asp1259Asn (NM_001354901.2, NM_001407453.1); and 11 more; short protein forms D1346N, D934N, D1035N, D1259N, D1290N, D1311N, D1189N, D1192N.
Identifiers: ClinVar variation 2587021 (VCV002587021.4), dbSNP rs1580642135, ClinGen allele CA16029999.

ClinVar aggregate classification (germline): Uncertain significance. Review status: criteria provided, multiple submitters, no conflicts (2 of 4 stars). 2 submissions from 2 submitters: Uncertain significance (2). Last evaluated 2024-04-16.

Conditions:
Hereditary cancer-predisposing syndrome. Also called: Hereditary neoplastic syndrome; Tumor predisposition; Hereditary Cancer Syndrome; Neoplastic Syndromes, Hereditary. Identifiers: Orphanet 140162, MedGen C0027672, MeSH D009386, MONDO:0015356.
Classic or attenuated familial adenomatous polyposis. Identifiers: MedGen CN372698, MONDO:0021057.

Submissions (2):

All of Us Research Program, National Institutes of Health
Classification: Uncertain significance for Classic or attenuated familial adenomatous polyposis. Last evaluated: 2024-04-16. Review status: criteria provided, single submitter. Criteria: ACMG Guidelines, 2015. Collection method: clinical testing. Allele origin: germline. Inheritance: Autosomal dominant inheritance. Observed: 2 variant alleles, 2 heterozygotes.
Comment: This missense variant replaces aspartic acid with asparagine at codon 1318 of the APC protein. Computational prediction suggests that this variant may not impact protein structure and function (internally defined REVEL score threshold <= 0.5, PMID: 27666373). To our knowledge, functional studies have not been reported for this variant. This variant has not been reported in individuals affected with APC-related disorders in the literature. This variant has not been identified in the general population by the Genome Aggregation Database (gnomAD). The available evidence is insufficient to determine the role of this variant in disease conclusively. Therefore, this variant is classified as a Variant of Uncertain Significance.

This study involves interpretation of variants in research participants for the purpose of population health screening. Participant phenotype was not available at the time of variant classification. Additional details can be found in publication PMID: 35346344, PMCID: PMC8962531

Ambry Genetics
Classification: Uncertain significance for Hereditary cancer-predisposing syndrome. Last evaluated: 2023-08-13. Review status: criteria provided, single submitter. Criteria: Ambry Variant Classification Scheme 2023. Collection method: clinical testing. Allele origin: germline.
Comment: The p.D1318N variant (also known as c.3952G>A), located in coding exon 15 of the APC gene, results from a G to A substitution at nucleotide position 3952. The aspartic acid at codon 1318 is replaced by asparagine, an amino acid with highly similar properties. This amino acid position is conserved. In addition, in silico predictors for this gene do not accurately predict pathogenicity. Since supporting evidence is limited at this time, the clinical significance of this alteration remains unclear.